The following is an entry in ClinVar:

ClinVar aggregate classification (germline): Likely pathogenic. Review status: criteria provided, multiple submitters, no conflicts (2 of 4 stars). 2 submissions from 2 submitters: Likely pathogenic (2). Last evaluated 2025-08-07.

Conditions:
Lysosomal acid lipase deficiency. Also called: Acid cholesteryl ester hydrolase deficiency, type 2. Identifiers: Orphanet 275761, MedGen C5574740, MONDO:0800449, MONDO:0010204.

Allele frequency attached by ClinVar (database versions not stated): TOPMed below 0.00001.

Submissions (2):

Natera, Inc.
Classification: Likely pathogenic for Lysosomal acid lipase deficiency. Last evaluated: 2025-08-07. Review status: criteria provided, single submitter. Criteria: Natera Variant Classification Schema (03/2026). Collection method: clinical testing. Allele origin: germline.
Comment: The c.866C>G variant in LIPA is a missense variant predicted to cause substitution of serine to cysteine at amino acid 289. This variant is rare in the general population with a frequency below the threshold expected for the associated phenotype(s). This variant has been observed in one or more individuals affected with the associated recessive disease, as either homozygous or compound heterozygous with a second variant (PMID: 10562460). Functional studies show that this variant may disrupt protein function (PMID: 29196158). Computational prediction algorithms indicate this variant is likely to affect gene or protein function. Given the available evidence, this variant is classified as Likely Pathogenic.

Alexion, Astrazeneca Rare Disease, Astrazeneca
Classification: Likely pathogenic for Lysosomal acid lipase deficiency. Last evaluated: 2019-06-01. Review status: criteria provided, single submitter. Criteria: ACMG Guidelines, 2015. Collection method: research. Allele origin: germline. Affected: yes.
Comment: ACMG PS3 criterion ascertained by in-vitro functional study, PMID:31180157

Literature cited by the submitters: PubMed 10562460 (cited by Natera, Inc.); PubMed 29196158 (cited by Natera, Inc.); PubMed 31180157 (cited by Alexion, Astrazeneca Rare Disease, Astrazeneca); PubMed 24792990 (cited by Alexion, Astrazeneca Rare Disease, Astrazeneca).

NM_000235.4(LIPA):c.866C>G (p.Ser289Cys)

Gene: LIPA (lipase A, lysosomal acid type; minus strand). Cytogenetic location: 10q23.31.
Variant type: single nucleotide variant.
Coding change: c.866C>G on transcript NM_000235.4 (MANE Select); coding-DNA position 866, C replaced by G.
Protein change: p.Ser289Cys; replaces serine 289 with cysteine.
Molecular consequence: missense variant.
Genome position (GRCh38, 1-based): chr10:89,222,539, G>C on the plus strand (C>G on the coding strand, the complement: LIPA is on the minus strand). VCF-style: chr10-89222539-G-C. GRCh37 (hg19) VCF-style: chr10-90982296-G-C.
Other names: c.866C>G (NM_000235.3); c.866C>G, p.Ser289Cys (NM_001127605.3); c.518C>G, p.Ser173Cys (NM_001288979.2); short protein forms S289C, S173C.
Identifiers: ClinVar variation 695048 (VCV000695048.3), dbSNP rs1589553174, ClinGen allele CA377516703.